The following is an entry in ClinVar:

NM_014324.6(AMACR):c.*449T>C

Genes: AMACR (alpha-methylacyl-CoA racemase; minus strand), C1QTNF3-AMACR (C1QTNF3-AMACR readthrough (NMD candidate); minus strand). Cytogenetic location: 5p13.2.
Variant type: single nucleotide variant.
Coding change: c.*449T>C on transcript NM_014324.6 (MANE Select); 449 bases downstream of the stop codon, T replaced by C.
Molecular consequence: 3 prime UTR variant. On other transcripts: non-coding transcript variant (1), intron variant (1).
Genome position (GRCh38, 1-based): chr5:33,988,644, A>G on the plus strand (T>C on the coding strand, the complement: AMACR is on the minus strand). VCF-style: chr5-33988644-A-G. GRCh37 (hg19) VCF-style: chr5-33988749-A-G.
Other names: c.*840T>C (NM_203382.3); c.1132-283T>C (NM_001167595.2).
Identifiers: ClinVar variation 353248 (VCV000353248.5), dbSNP rs550502356, ClinGen allele CA10624360.

ClinVar aggregate classification (germline): Likely benign (1 of 4 stars; one submission).

Conditions:
Alpha-methylacyl-CoA racemase deficiency (AMACRD). Also called: AMACR deficiency. Identifiers: Orphanet 79095, MedGen C3280428, MONDO:0013681, OMIM 614307. Disease mechanism: loss of function.

Allele frequency attached by ClinVar (database versions not stated): gnomAD 0.00007 and 0.00052; TOPMed 0.00014; gnomAD exomes 0.00061; 1000 Genomes Project 30x 0.00234; 1000 Genomes Project 0.00280.
gnomAD v4.1: 751 of 1,254,176 alleles (0.06%); highest among the groups gnomAD compares: South Asian, 1.4%; 11 homozygotes.

Submission:

Illumina Laboratory Services, Illumina
Classification: Likely benign for Alpha-methylacyl-CoA racemase deficiency. Last evaluated: 2018-01-12. Review status: criteria provided, single submitter. Criteria: ICSL Variant Classification Criteria 13 December 2019. Collection method: clinical testing. Allele origin: germline.
Comment: This variant was observed in the ICSL laboratory as part of a predisposition screen in an ostensibly healthy population. It had not been previously curated by ICSL or reported in the Human Gene Mutation Database (HGMD: prior to June 1st, 2018), and was therefore a candidate for classification through an automated scoring system. Utilizing variant allele frequency, disease prevalence and penetrance estimates, and inheritance mode, an automated score was calculated to assess if this variant is too frequent to cause the disease. Based on the score and internal cut-off values, a variant classified as likely benign is not then subjected to further curation. The score for this variant resulted in a classification of likely benign for this disease.